The following is an entry in ClinVar:

ClinVar aggregate classification (germline): Conflicting classifications of pathogenicity. Review status: criteria provided, conflicting classifications (1 of 4 stars). 3 submissions from 3 submitters: Likely pathogenic (1); Uncertain significance (1). 1 of the submissions does not count toward it. Last evaluated 2020-07-01.

Conditions:
Gaucher disease type I (GD1). Also called: GD 1; Gaucher's disease, type 1; Type 1 Gaucher Disease; ACID BETA-GLUCOSIDASE DEFICIENCY; GAUCHER DISEASE, NONCEREBRAL JUVENILE; GBA DEFICIENCY. Identifiers: Orphanet 355, Orphanet 77259, MedGen C1961835, MONDO:0009265, OMIM 230800.
Lewy body dementia (DLB). Also called: Lewy Body Disease. Identifiers: MedGen C0752347, MONDO:0007488, OMIM 127750.
Gaucher disease type II (GD2). Also called: Acute neuronopathic Gaucher's disease; Type 2 Gaucher disease (Acute; Infantile); GAUCHER DISEASE, ACUTE NEURONOPATHIC TYPE; GD II. Identifiers: Orphanet 77260, MedGen C0268250, MONDO:0009266, OMIM 230900.
Gaucher disease perinatal lethal. Also called: Gaucher disease collodion type; Gaucher Disease, Perinatal-Lethal Form. Identifiers: Orphanet 85212, MedGen C1842704, MONDO:0011945, OMIM 608013.
Gaucher disease type III. Also called: Gaucher Disease, Type 3; Subacute neuronopathic Gaucher's disease; Type 3 Gaucher disease (Subacute; Juvenile); GAUCHER DISEASE, CHRONIC NEURONOPATHIC TYPE; GAUCHER DISEASE, JUVENILE AND ADULT, CEREBRAL; GAUCHER DISEASE, SUBACUTE NEURONOPATHIC TYPE. Identifiers: Orphanet 355, Orphanet 77261, MedGen C0268251, MONDO:0009267, OMIM 231000.
Parkinson disease, late-onset (PD). Also called: PARKINSON DISEASE, LATE-ONSET, SUSCEPTIBILITY TO; Susceptibility to Parkinson's Disease; Hereditary late onset Parkinson disease. Identifiers: Orphanet 411602, MedGen C3160718, MONDO:0008199, OMIM 168600.
Gaucher disease-ophthalmoplegia-cardiovascular calcification syndrome. Also called: GAUCHER DISEASE, TYPE IIIC. Identifiers: Orphanet 2072, MedGen C1856476, MONDO:0009268, OMIM 231005.

Allele frequency attached by ClinVar (database versions not stated): gnomAD exomes below 0.00001.
gnomAD v4.1: 1 of 1,613,976 alleles (0.000062%); highest among the groups gnomAD compares: East Asian, 0.0022%; no homozygotes.

Submissions (3):

Department of Neurology, Qilu Hospital of Shandong University
Classification: Uncertain significance for Gaucher disease type I. Last evaluated: 2020-07-01. Review status: criteria provided, single submitter. Criteria: ACMG2015. Collection method: clinical testing. Allele origin: germline. Affected: yes. Observed: 1 variant allele.

Juno Genomics, Hangzhou Juno Genomics, Inc
Classification: Likely pathogenic for Gaucher disease perinatal lethal; Gaucher disease type I; Gaucher disease type II; Gaucher disease type III; Gaucher disease-ophthalmoplegia-cardiovascular calcification syndrome; Lewy body dementia; Parkinson disease, late-onset. Review status: criteria provided, single submitter. Criteria: ACMG Guidelines, 2015. Collection method: clinical testing. Allele origin: germline. Affected: yes.
Comment: Absent from controls (or at extremely low frequency if recessive) in Genome Aggregation Database, Exome Sequencing Project, 1000 Genomes Project, or Exome Aggregation Consortium.;Multiple lines of computational evidence support a deleterious effect on the gene or gene product (conservation, evolutionary, splicing impact, etc).;For recessive disorders, detected in trans with a pathogenic variant.;Patient's phenotype or family history is highly specific for a disease with a single genetic etiology.

Department of Traditional Chinese Medicine, Fujian Provincial Hospital
Classification: Uncertain significance for Gaucher disease type I. Review status: no assertion criteria provided. Collection method: literature only. Allele origin: biparental. Not counted in ClinVar's aggregate classification.
Comment: Polyphen2: Possibly damaging; MutationTaster: disease causing, and according to the ACMG guidelines, this mutation site meets the following criteria: PM1: Located in a mutational hot spot and/or critical and well-established functional domain (e.g. active site of an enzyme) without benign variation; PM2: Absent from controls (or at extremely low frequency if recessive) in the Exome Sequencing Project, 1000 Genomes or ExAC; and PP3: Multiple lines of computational evidence supporting a deleterious effect on the gene or gene product (conservation, evolutionary, spatial). product (conservation, evolutionary, splicing impact, etc). The mutation is considered to be of "uncertain significance".

Literature cited by the submitters: PubMed 25518742 (cited by Department of Neurology, Qilu Hospital of Shandong University); PubMed 29530815 (cited by Department of Neurology, Qilu Hospital of Shandong University); PubMed 29625627 (cited by Department of Neurology, Qilu Hospital of Shandong University); PubMed 31216804 (cited by Department of Neurology, Qilu Hospital of Shandong University); PubMed 34867278 (cited by Department of Neurology, Qilu Hospital of Shandong University); PubMed 35639160 (cited by Department of Neurology, Qilu Hospital of Shandong University); PubMed 37198191 (cited by Department of Neurology, Qilu Hospital of Shandong University); PubMed 38509388 (cited by Department of Neurology, Qilu Hospital of Shandong University); PubMed 38527843 (cited by Department of Neurology, Qilu Hospital of Shandong University); DOI 10.1038/jhg.2014.110 (cited by Department of Traditional Chinese Medicine, Fujian Provincial Hospital); DOI 10.1016/j.scr.2018.101373 (cited by Department of Traditional Chinese Medicine, Fujian Provincial Hospital); DOI 10.1002/mds.28195 (cited by Department of Traditional Chinese Medicine, Fujian Provincial Hospital).

NM_000157.4(GBA1):c.907C>A (p.Leu303Ile)

Genes: GBA1 (glucosylceramidase beta 1; minus strand), LOC106627981 (GBA recombination region; plus strand). Cytogenetic location: 1q22.
Variant type: single nucleotide variant.
Coding change: c.907C>A on transcript NM_000157.4 (MANE Select); coding-DNA position 907, C replaced by A.
Protein change: p.Leu303Ile; replaces leucine 303 with isoleucine.
Molecular consequence: missense variant.
Genome position (GRCh38, 1-based): chr1:155,237,433, G>T on the plus strand (C>A on the coding strand, the complement: GBA1 is on the minus strand). VCF-style: chr1-155237433-G-T. GRCh37 (hg19) VCF-style: chr1-155207224-G-T.
Other names: c.907C>A (NM_001005741.2); c.907C>A, p.Leu303Ile (NM_001005741.3, NM_001005742.3); c.646C>A, p.Leu216Ile (NM_001171811.2); c.760C>A, p.Leu254Ile (NM_001171812.2); short protein forms L216I, L254I, L303I.
Identifiers: ClinVar variation 2627744 (VCV002627744.5), dbSNP rs1296507371, ClinGen allele CA342719357.